The following is an entry in ClinVar:

ClinVar aggregate classification (germline): Uncertain significance. Review status: criteria provided, multiple submitters, no conflicts (2 of 4 stars). 2 submissions from 2 submitters: Uncertain significance (2). Last evaluated 2024-12-15.

Conditions:
Inborn genetic diseases. Identifiers: MedGen C0950123, MeSH D030342.
Baller-Gerold syndrome (BGS). Also called: CRANIOSYNOSTOSIS WITH RADIAL DEFECTS. Identifiers: Orphanet 1225, MedGen C0265308, MONDO:0009039, OMIM 218600.

Allele frequency attached by ClinVar (database versions not stated): gnomAD exomes below 0.00001; gnomAD 0.00001.
gnomAD v4.1: 6 of 1,612,672 alleles (0.00037%); highest among the groups gnomAD compares: South Asian, 0.0066%; no homozygotes.

Submissions (2):

Ambry Genetics
Classification: Uncertain significance for Inborn genetic diseases. Last evaluated: 2024-12-15. Review status: criteria provided, single submitter. Criteria: Ambry Variant Classification Scheme 2023. Collection method: clinical testing. Allele origin: germline.
Comment: The p.D426N variant (also known as c.1276G>A), located in coding exon 7 of the RECQL4 gene, results from a G to A substitution at nucleotide position 1276. The aspartic acid at codon 426 is replaced by asparagine, an amino acid with highly similar properties. This amino acid position is conserved. In addition, this alteration is predicted to be tolerated by in silico analysis. Based on the available evidence, the clinical significance of this variant remains unclear.

Labcorp Genetics (formerly Invitae), Labcorp
Classification: Uncertain significance for Baller-Gerold syndrome. Last evaluated: 2022-08-09. Review status: criteria provided, single submitter. Criteria: Invitae Variant Classification Sherloc (09022015). Collection method: clinical testing. Allele origin: germline.
Comment: In summary, the available evidence is currently insufficient to determine the role of this variant in disease. Therefore, it has been classified as a Variant of Uncertain Significance. ClinVar contains an entry for this variant (Variation ID: 406909). This variant has not been reported in the literature in individuals affected with RECQL4-related conditions. This variant is present in population databases (no rsID available, gnomAD 0.003%). This sequence change replaces aspartic acid with asparagine at codon 426 of the RECQL4 protein (p.Asp426Asn). The aspartic acid residue is weakly conserved and there is a small physicochemical difference between aspartic acid and asparagine.

NM_004260.4(RECQL4):c.1276G>A (p.Asp426Asn)

Gene: RECQL4 (RecQ like helicase 4; minus strand). Cytogenetic location: 8q24.3.
Variant type: single nucleotide variant.
Coding change: c.1276G>A on transcript NM_004260.4 (MANE Select); coding-DNA position 1276, G replaced by A.
Protein change: p.Asp426Asn; replaces aspartic acid 426 with asparagine.
Molecular consequence: missense variant.
Genome position (GRCh38, 1-based): chr8:144,515,440, C>T on the plus strand (G>A on the coding strand, the complement: RECQL4 is on the minus strand). VCF-style: chr8-144515440-C-T. GRCh37 (hg19) VCF-style: chr8-145740824-C-T.
Other names: short protein forms D426N.
Identifiers: ClinVar variation 406909 (VCV000406909.6), dbSNP rs1048010208, ClinGen allele CA16612387.